The following is an entry in ClinVar:

NM_005267.5(GJA8):c.-9G>T

Gene: GJA8 (gap junction protein alpha 8; plus strand). Cytogenetic location: 1q21.2.
Variant type: single nucleotide variant.
Coding change: c.-9G>T on transcript NM_005267.5 (MANE Select); 9 bases upstream of the start codon, G replaced by T.
Molecular consequence: 5 prime UTR variant.
Genome position (GRCh38, 1-based): chr1:147,907,947, G>T. VCF-style: chr1-147907947-G-T. GRCh37 (hg19) VCF-style: chr1-147380074-G-T.
Identifiers: ClinVar variation 3029071 (VCV003029071.2), dbSNP rs587653014, ClinGen allele CA1065847.
Genomic context (GRCh38, chr1:147,907,947, plus strand): 5'-ATTGACTCAGGGTTGCATTGCGGCCGCTCAGCTCTTGCCTTCTCCCTCATTTCTTCAGGT[G>T]GGTGAGAAATGGGCGACTGGAGTTTCCTGGGGAACATCTTGGAGGAGGTGAATGAGCACT-3'

ClinVar aggregate classification (germline): Likely benign (0 of 4 stars; one submission).

Conditions:
GJA8-related disorder. Also called: GJA8-related condition.

Allele frequency attached by ClinVar (database versions not stated): gnomAD exomes below 0.00001; ExAC 0.00002; gnomAD 0.00003; TOPMed 0.00004; 1000 Genomes Project 30x 0.00016; 1000 Genomes Project 0.00020.
gnomAD v4.1: 9 of 1,606,808 alleles (0.00056%); highest among the groups gnomAD compares: African/African-American, 0.008%; no homozygotes.

Submission:

PreventionGenetics, part of Exact Sciences
Classification: Likely benign for GJA8-related condition. Last evaluated: 2022-07-05. Review status: no assertion criteria provided. Collection method: clinical testing. Allele origin: germline.
Comment: This variant is classified as likely benign based on ACMG/AMP sequence variant interpretation guidelines (Richards et al. 2015 PMID: 25741868, with internal and published modifications).